The following is an entry in ClinVar:

ClinVar aggregate classification (germline): Pathogenic (0 of 4 stars; one submission).

Conditions:
Duchenne muscular dystrophy (DMD). Also called: Duchenne Muscular Dystrophy (DMD); MUSCULAR DYSTROPHY, PSEUDOHYPERTROPHIC PROGRESSIVE, DUCHENNE TYPE. Identifiers: Orphanet 98896, MedGen C0013264, MONDO:0010679, OMIM 310200.

Submission:

Solve-RD Consortium
Classification: Pathogenic for Duchenne muscular dystrophy. Last evaluated: 2024-09-01. Review status: no assertion criteria provided. Collection method: provider interpretation. Allele origin: unknown. Affected: yes. Study: Solve-RD Consortium.
Comment: The variant is a 8.7 Mb X-chromosomal inversion breaking DMD in intron 44, resulting in a truncated transcript. Variants in DMD are a well-described and extensively characterized cause of Duchenne muscular dystrophy. This SV was confirmed by the submitting clinician to impact a gene that corresponds with the phenotype of the affected individual, and thus deemed to be causative for their condition.

Single allele

Genes: KLHL15 (kelch like family member 15; minus strand), MIR4666B (microRNA 4666b; plus strand), MIR6134 (microRNA 6134; minus strand), PRDX4 (peroxiredoxin 4; plus strand), TAB3 (TGF-beta activated kinase 1 (MAP3K7) binding protein 3; minus strand) and 113 more. Cytogenetic location: Xp22.11-21.1.
Variant type: Inversion.
Identifiers: ClinVar variation 3764743 (VCV003764743.1).